The following is an entry in ClinVar:

ClinVar aggregate classification (germline): Likely benign (1 of 4 stars; one submission).

Allele frequency attached by ClinVar (database versions not stated): 1000 Genomes Project 30x 0.03389; 1000 Genomes Project 0.03454; TOPMed 0.03528; gnomAD 0.03921.
gnomAD v4.1: 5,929 of 152,126 alleles (3.9%); highest among the groups gnomAD compares: Middle Eastern, 7.8%; 147 homozygotes.

Submission:

GeneDx
Classification: Likely benign. Last evaluated: 2021-05-10. Review status: criteria provided, single submitter. Criteria: GeneDx Variant Classification Process June 2021. Collection method: clinical testing. Allele origin: germline. Affected: yes.
Comment: See Variant Classification Assertion Criteria.

NM_032977.4(CASP10):c.-8+188C>T

Gene: CASP10 (caspase 10; plus strand). Cytogenetic location: 2q33.1.
Variant type: single nucleotide variant.
Coding change: c.-8+188C>T on transcript NM_032977.4 (MANE Select); 188 bases into the intron after 8 bases upstream of the start codon, C replaced by T.
Molecular consequence: intron variant.
Genome position (GRCh38, 1-based): chr2:201,183,496, C>T. VCF-style: chr2-201183496-C-T. GRCh37 (hg19) VCF-style: chr2-202048219-C-T.
Other names: c.-8+188C>T (NM_032974.5, NM_001206542.2, NM_032976.4 and 3 more transcripts).
Identifiers: ClinVar variation 1706792 (VCV001706792.2), dbSNP rs17860398, ClinGen allele CA11326172.